The following is an entry in ClinVar:

NM_006767.4(LZTR1):c.2019del (p.Asp674fs)

Gene: LZTR1 (leucine zipper like post translational regulator 1; plus strand). Cytogenetic location: 22q11.21.
Variant type: Deletion.
Coding change: c.2019del on transcript NM_006767.4 (MANE Select); coding-DNA position 2019, one base deleted (T; older notation c.2019delT).
Protein change: p.Asp674fs; shifts the reading frame from aspartic acid 674.
Molecular consequence: frameshift variant.
Genome position (GRCh38, 1-based): chr22:20,995,822, T deleted; the last of 2 consecutive T bases (chr22:20,995,821-20,995,822); deleting either gives the same sequence. VCF-style (leftmost placement, unchanged base first): chr22-20995820-CT-C. GRCh37 (hg19) VCF-style: chr22-21350109-CT-C.
Other names: short protein forms D674fs.
Identifiers: ClinVar variation 4101921 (VCV004101921.1).

ClinVar aggregate classification (germline): Pathogenic (1 of 4 stars; one submission).

Conditions:
Cardiovascular phenotype. Identifiers: MedGen CN230736.
Hereditary cancer-predisposing syndrome. Also called: Tumor predisposition; Neoplastic Syndromes, Hereditary; Hereditary neoplastic syndrome; Hereditary Cancer Syndrome. Identifiers: Orphanet 140162, MedGen C0027672, MeSH D009386, MONDO:0015356.

Submission:

Ambry Genetics
Classification: Pathogenic for Cardiovascular phenotype; Hereditary cancer-predisposing syndrome. Last evaluated: 2025-08-22. Review status: criteria provided, single submitter. Criteria: Ambry Variant Classification Scheme 2023. Collection method: clinical testing. Allele origin: germline.
Comment: The c.2019delT pathogenic mutation, located in coding exon 17 of the LZTR1 gene, results from a deletion of one nucleotide at nucleotide position 2019, causing a translational frameshift with a predicted alternate stop codon (p.D674Tfs*33). This variant is considered to be rare based on population cohorts in the Genome Aggregation Database (gnomAD). This alteration is expected to result in loss of function by premature protein truncation or nonsense-mediated mRNA decay. Loss-of-function variants in LZTR1 are related to an increased risk for schwannomas and autosomal recessive Noonan syndrome; however, such associations with autosomal dominant Noonan syndrome have not been observed (Piotrowski A et al. Nat Genet. 2014 Feb;46:182-7; Yamamoto GL et al. J Med Genet. 2015 Jun;52:413-21; Johnston JJ et al. Genet Med. 2018 10;20:1175-1185). Based on the supporting evidence, this variant is pathogenic for an increased risk of LZTR1-related schwannomatosis (SWN) and would be expected to cause autosomal recessive Noonan syndrome when present along with a second pathogenic or likely pathogenic variant on the other allele; however, the association of this alteration with autosomal dominant Noonan syndrome is unlikely.